The following is an entry in ClinVar:

ClinVar aggregate classification (germline): Likely pathogenic (1 of 4 stars; one submission).

Conditions:
Congenital myotonia, autosomal recessive form. Also called: BECKER DISEASE; Becker Generalized Myotonia; myotonia congenita, autosomal recessive. Identifiers: Orphanet 614, MedGen C0751360, MONDO:0009715, OMIM 255700.

Submission:

Diagnostics Services (NGS), CSIR - Centre For Cellular And Molecular Biology
Classification: Likely pathogenic for Congenital myotonia, autosomal recessive form. Last evaluated: 2025-08-14. Review status: criteria provided, single submitter. Criteria: ACMG Guidelines, 2015. Collection method: clinical testing. Allele origin: germline. Affected: yes. Observed: 1 variant allele, 1 homozygote.
Comment: The c.1827G>A variant is not present in publicly available population databases like 1000 Genomes, EVS, gnomAD, Indian Exome Database or our internal database. This variant has neither been published in the literature for CLCN1-related conditions nor reported to clinical databases like Human Genome Mutation Database (HGMD), ClinVar or OMIM in any affected individuals. In-silico pathogenicity prediction programs like SIFT, Polyphen-2, MutationTaster2021, CADD etc predicted this variant to be likely deleterious however these predictions were not confirmed by published functional studies. This variant is present in a mutational hotspot region of the gene and a different amino acid change in the same codon (Met609Lys) has been previously observed in two Korean patients with myotonia congenita in homozygous and compound heterozygous states, respectively [PMID: 19949657].

Literature cited by the submitters: PubMed 19949657.

NM_000083.3(CLCN1):c.1827G>A (p.Met609Ile)

Gene: CLCN1 (chloride voltage-gated channel 1; plus strand). Cytogenetic location: 7q34.
Variant type: single nucleotide variant.
Coding change: c.1827G>A on transcript NM_000083.3 (MANE Select); coding-DNA position 1827, G replaced by A.
Protein change: p.Met609Ile; replaces methionine 609 with isoleucine.
Molecular consequence: missense variant. On other transcripts: non-coding transcript variant (1).
Genome position (GRCh38, 1-based): chr7:143,342,402, G>A. VCF-style: chr7-143342402-G-A. GRCh37 (hg19) VCF-style: chr7-143039495-G-A.
Other names: short protein forms M609I.
Identifiers: ClinVar variation 4279636 (VCV004279636.1).